The following is an entry in ClinVar:

ClinVar aggregate classification (germline): Pathogenic (1 of 4 stars; one submission).

Submission:

Labcorp Genetics (formerly Invitae), Labcorp
Classification: Pathogenic. Last evaluated: 2025-03-04. Review status: criteria provided, single submitter. Criteria: Invitae Variant Classification Sherloc (09022015). Collection method: clinical testing. Allele origin: germline.
Comment: This sequence change creates a premature translational stop signal (p.Tyr160Leufs*2) in the OSBPL2 gene. It is expected to result in an absent or disrupted protein product. Loss-of-function variants in OSBPL2 are known to be pathogenic (PMID: 25077649). This variant is not present in population databases (gnomAD no frequency). This variant has not been reported in the literature in individuals affected with OSBPL2-related conditions. Algorithms developed to predict the effect of sequence changes on RNA splicing suggest that this variant may disrupt the consensus splice site. For these reasons, this variant has been classified as Pathogenic.

Literature cited by the submitters: PubMed 25077649.

NM_144498.4(OSBPL2):c.478dup (p.Tyr160fs)

Gene: OSBPL2 (oxysterol binding protein like 2; plus strand). Cytogenetic location: 20q13.33.
Variant type: Duplication.
Coding change: c.478dup on transcript NM_144498.4 (MANE Select); coding-DNA position 478, one base duplicated (T; older notation c.478dupT).
Protein change: p.Tyr160fs; shifts the reading frame from tyrosine 160.
Molecular consequence: frameshift variant.
Genome position (GRCh38, 1-based): chr20:62,273,393, T duplicated. VCF-style (leftmost placement, unchanged base first): chr20-62273392-G-GT. GRCh37 (hg19) VCF-style: chr20-60848448-G-GT.
Other names: c.202dup, p.Tyr68fs (NM_001278649.3, NM_001363878.2); c.442dup, p.Tyr148fs (NM_014835.5); short protein forms Y148fs, Y160fs, Y68fs.
Identifiers: ClinVar variation 4804294 (VCV004804294.1).